The following is an entry in ClinVar:

ClinVar aggregate classification (germline): Benign. Review status: criteria provided, single submitter (1 of 4 stars). 2 submissions from 2 submitters: Benign (1). 1 of the submissions does not count toward it. Last evaluated 2019-12-31.

Conditions:
CLU-related disorder. Also called: CLU-related condition.

Allele frequency attached by ClinVar (database versions not stated): gnomAD exomes 0.00028 and 0.00064; ExAC 0.00082; ESP Exome Variant Server 0.00246; gnomAD 0.00267 and 0.00287; 1000 Genomes Project 0.00280; 1000 Genomes Project 30x 0.00312; TOPMed 0.00316.
gnomAD v4.1: 826 of 1,614,242 alleles (0.051%); highest among the groups gnomAD compares: African/African-American, 0.94%; 2 homozygotes.

Submissions (2):

Labcorp Genetics (formerly Invitae), Labcorp
Classification: Benign. Last evaluated: 2019-12-31. Review status: criteria provided, single submitter. Criteria: Invitae Variant Classification Sherloc (09022015). Collection method: clinical testing. Allele origin: germline.

PreventionGenetics, part of Exact Sciences
Classification: Likely benign for CLU-related condition. Last evaluated: 2020-05-11. Review status: no assertion criteria provided. Collection method: clinical testing. Allele origin: germline. Not counted in ClinVar's aggregate classification.
Comment: This variant is classified as likely benign based on ACMG/AMP sequence variant interpretation guidelines (Richards et al. 2015 PMID: 25741868, with internal and published modifications).

NM_001831.4(CLU):c.382G>A (p.Val128Ile)

Gene: CLU (clusterin; minus strand). Cytogenetic location: 8p21.1.
Variant type: single nucleotide variant.
Coding change: c.382G>A on transcript NM_001831.4 (MANE Select); coding-DNA position 382, G replaced by A.
Protein change: p.Val128Ile; replaces valine 128 with isoleucine.
Molecular consequence: missense variant. On other transcripts: non-coding transcript variant (2).
Genome position (GRCh38, 1-based): chr8:27,606,389, C>T on the plus strand (G>A on the coding strand, the complement: CLU is on the minus strand). VCF-style: chr8-27606389-C-T. GRCh37 (hg19) VCF-style: chr8-27463906-C-T.
Other names: short protein forms V128I.
Identifiers: ClinVar variation 726773 (VCV000726773.6), dbSNP rs150438413, ClinGen allele CA4690990.